The following is an entry in ClinVar:

NM_006129.5(BMP1):c.730+10T>C

Gene: BMP1 (bone morphogenetic protein 1; plus strand). Cytogenetic location: 8p21.3.
Variant type: single nucleotide variant.
Coding change: c.730+10T>C on transcript NM_006129.5 (MANE Select); 10 bases into the intron after coding-DNA position 730, T replaced by C.
Molecular consequence: intron variant.
Genome position (GRCh38, 1-based): chr8:22,177,149, T>C. VCF-style: chr8-22177149-T-C. GRCh37 (hg19) VCF-style: chr8-22034662-T-C.
Other names: c.730+10T>C (NM_006129.4, NM_001199.4).
Identifiers: ClinVar variation 2886079 (VCV002886079.6), dbSNP rs1828467643, ClinGen allele CA1111714409.

ClinVar aggregate classification (germline): Likely benign. Review status: criteria provided, multiple submitters, no conflicts (2 of 4 stars). 3 submissions from 3 submitters: Likely benign (2). 1 of the submissions does not count toward it. Last evaluated 2024-09-16.

Conditions:
BMP1-related disorder. Also called: BMP1-related condition.

Allele frequency attached by ClinVar (database versions not stated): gnomAD 0.00001; gnomAD exomes 0.00001.
gnomAD v4.1: 15 of 1,586,172 alleles (0.00095%); highest among the groups gnomAD compares: African/African-American, 0.013%; no homozygotes.

Submissions (3):

Blueprint Genetics
Classification: Likely benign. Last evaluated: 2024-09-16. Review status: criteria provided, single submitter. Criteria: ACMG Guidelines, 2015. Collection method: clinical testing. Allele origin: germline.

Labcorp Genetics (formerly Invitae), Labcorp
Classification: Likely benign. Last evaluated: 2024-01-16. Review status: criteria provided, single submitter. Criteria: Invitae Variant Classification Sherloc (09022015). Collection method: clinical testing. Allele origin: germline.

PreventionGenetics, part of Exact Sciences
Classification: Likely benign for BMP1-related condition. Last evaluated: 2024-01-27. Review status: no assertion criteria provided. Collection method: clinical testing. Allele origin: germline. Not counted in ClinVar's aggregate classification.
Comment: This variant is classified as likely benign based on ACMG/AMP sequence variant interpretation guidelines (Richards et al. 2015 PMID: 25741868, with internal and published modifications).